The following is an entry in ClinVar:

NM_013432.5(TONSL):c.1480G>A (p.Glu494Lys)

Gene: TONSL (tonsoku like, DNA repair protein; minus strand). Cytogenetic location: 8q24.3.
Variant type: single nucleotide variant.
Coding change: c.1480G>A on transcript NM_013432.5 (MANE Select); coding-DNA position 1480, G replaced by A.
Protein change: p.Glu494Lys; replaces glutamic acid 494 with lysine.
Molecular consequence: missense variant.
Genome position (GRCh38, 1-based): chr8:144,440,021, C>T on the plus strand (G>A on the coding strand, the complement: TONSL is on the minus strand). VCF-style: chr8-144440021-C-T. GRCh37 (hg19) VCF-style: chr8-145665404-C-T.
Other names: TONSL, GLU494LYS (rs775551492); short protein forms E494K.
Identifiers: ClinVar variation 638065 (VCV000638065.9), dbSNP rs775551492, ClinGen allele CA4943221.

ClinVar aggregate classification (germline): Conflicting classifications of pathogenicity. Review status: criteria provided, conflicting classifications (1 of 4 stars). 4 submissions from 4 submitters: Pathogenic (1); Uncertain significance (1). 2 of the submissions do not count toward it. Last evaluated 2022-10-04.

Conditions:
Sponastrime dysplasia. Also called: SPONDYLAR AND NASAL ALTERATIONS WITH STRIATED METAPHYSES. Identifiers: Orphanet 93357, MedGen C1300260, MONDO:0010068, OMIM 271510.

Allele frequency attached by ClinVar (database versions not stated): TOPMed below 0.00001; gnomAD 0.00001; gnomAD exomes 0.00001.
gnomAD v4.1: 8 of 1,186,130 alleles (0.00067%); highest among the groups gnomAD compares: African/African-American, 0.0015%; no homozygotes.

Submissions (4):

Labcorp Genetics (formerly Invitae), Labcorp
Classification: Uncertain significance. Last evaluated: 2022-10-04. Review status: criteria provided, single submitter. Criteria: Invitae Variant Classification Sherloc (09022015). Collection method: clinical testing. Allele origin: germline.
Comment: Algorithms developed to predict the effect of missense changes on protein structure and function (SIFT, PolyPhen-2, Align-GVGD) all suggest that this variant is likely to be tolerated. ClinVar contains an entry for this variant (Variation ID: 638065). This missense change has been observed in individual(s) with SPONASTRIME Dysplasia (PMID: 30773277). In at least one individual the data is consistent with being in trans (on the opposite chromosome) from a pathogenic variant. The frequency data for this variant in the population databases is considered unreliable, as metrics indicate poor data quality at this position in the gnomAD database. This sequence change replaces glutamic acid, which is acidic and polar, with lysine, which is basic and polar, at codon 494 of the TONSL protein (p.Glu494Lys). This variant also falls at the last nucleotide of exon 11, which is part of the consensus splice site for this exon. Variants that disrupt the consensus splice site are a relatively common cause of aberrant splicing (PMID: 17576681, 9536098). Algorithms developed to predict the effect of sequence changes on RNA splicing suggest that this variant may disrupt the consensus splice site. In summary, the available evidence is currently insufficient to determine the role of this variant in disease. Therefore, it has been classified as a Variant of Uncertain Significance.

Mendelics
Classification: Pathogenic for Sponastrime dysplasia. Last evaluated: 2019-05-28. Review status: criteria provided, single submitter. Criteria: Mendelics Assertion Criteria 2017. Collection method: clinical testing. Allele origin: unknown.

OMIM
Classification: Pathogenic for SPONDYLOEPIMETAPHYSEAL DYSPLASIA, SPONASTRIME TYPE. Last evaluated: 2019-07-24. Review status: no assertion criteria provided. Collection method: literature only. Allele origin: germline. Not counted in ClinVar's aggregate classification.

University of Washington Center for Mendelian Genomics, University of Washington
Classification: Likely pathogenic for Sponastrime Dysplasia. Review status: no assertion criteria provided. Collection method: research. Allele origin: inherited. Affected: yes. Not counted in ClinVar's aggregate classification.

Literature cited by the submitters: PubMed 30773277 (cited by 3 submitters); PubMed 17576681 (cited by Labcorp Genetics (formerly Invitae), Labcorp); PubMed 9536098 (cited by Labcorp Genetics (formerly Invitae), Labcorp).